The following is an entry in ClinVar:

NM_021629.4(GNB4):c.232A>T (p.Lys78Ter)

Gene: GNB4 (G protein subunit beta 4; minus strand). Cytogenetic location: 3q26.33.
Variant type: single nucleotide variant.
Coding change: c.232A>T on transcript NM_021629.4 (MANE Select); coding-DNA position 232, A replaced by T.
Protein change: p.Lys78Ter; replaces lysine 78 with a stop codon.
Molecular consequence: nonsense.
Genome position (GRCh38, 1-based): chr3:179,416,528, T>A on the plus strand (A>T on the coding strand, the complement: GNB4 is on the minus strand). VCF-style: chr3-179416528-T-A. GRCh37 (hg19) VCF-style: chr3-179134316-T-A.
Other names: short protein forms K78*.
Identifiers: ClinVar variation 3392824 (VCV003392824.2).

ClinVar aggregate classification (germline): Uncertain significance (1 of 4 stars; one submission).

Submission:

GeneDx
Classification: Uncertain significance. Last evaluated: 2025-05-03. Review status: criteria provided, single submitter. Criteria: GeneDx Variant Classification Process June 2021. Collection method: clinical testing. Allele origin: germline.
Comment: Not observed at significant frequency in large population cohorts (gnomAD); Nonsense variant predicted to result in protein truncation or nonsense mediated decay in a gene for which loss-of-function is not a known mechanism of disease; Has not been previously published as pathogenic or benign to our knowledge